The following is an entry in ClinVar:

NM_004006.3(DMD):c.2260G>A (p.Gly754Ser)

Gene: DMD (dystrophin; minus strand). Cytogenetic location: Xp21.1.
Variant type: single nucleotide variant.
Coding change: c.2260G>A on transcript NM_004006.3 (MANE Select); coding-DNA position 2260, G replaced by A.
Protein change: p.Gly754Ser; replaces glycine 754 with serine.
Molecular consequence: missense variant.
Genome position (GRCh38, 1-based): chrX:32,518,040, C>T on the plus strand (G>A on the coding strand, the complement: DMD is on the minus strand). VCF-style: chrX-32518040-C-T. GRCh37 (hg19) VCF-style: chrX-32536157-C-T.
Other names: c.2236G>A, p.Gly746Ser (NM_000109.4); c.2248G>A, p.Gly750Ser (NM_004009.3); c.1891G>A, p.Gly631Ser (NM_004010.3); short protein forms G631S, G746S, G750S, G754S.
Identifiers: ClinVar variation 1721581 (VCV001721581.6), dbSNP rs369017141, ClinGen allele CA412663789.

ClinVar aggregate classification (germline): Uncertain significance (1 of 4 stars; one submission).

Conditions:
Duchenne muscular dystrophy (DMD). Also called: MUSCULAR DYSTROPHY, PSEUDOHYPERTROPHIC PROGRESSIVE, DUCHENNE TYPE; Duchenne Muscular Dystrophy (DMD). Identifiers: Orphanet 98896, MedGen C0013264, MONDO:0010679, OMIM 310200.

Submission:

Labcorp Genetics (formerly Invitae), Labcorp
Classification: Uncertain significance for Duchenne muscular dystrophy. Last evaluated: 2022-10-13. Review status: criteria provided, single submitter. Criteria: Invitae Variant Classification Sherloc (09022015). Collection method: clinical testing. Allele origin: germline.
Comment: This sequence change replaces glycine, which is neutral and non-polar, with serine, which is neutral and polar, at codon 754 of the DMD protein (p.Gly754Ser). This variant is not present in population databases (gnomAD no frequency). In summary, the available evidence is currently insufficient to determine the role of this variant in disease. Therefore, it has been classified as a Variant of Uncertain Significance. Advanced modeling of protein sequence and biophysical properties (such as structural, functional, and spatial information, amino acid conservation, physicochemical variation, residue mobility, and thermodynamic stability) performed at Invitae indicates that this missense variant is not expected to disrupt DMD protein function. This variant has not been reported in the literature in individuals affected with DMD-related conditions.